The following is an entry in ClinVar:

ClinVar aggregate classification (germline): Uncertain significance (1 of 4 stars; one submission).

Conditions:
Hereditary cancer-predisposing syndrome. Also called: Tumor predisposition; Neoplastic Syndromes, Hereditary; Hereditary neoplastic syndrome; Hereditary Cancer Syndrome. Identifiers: Orphanet 140162, MedGen C0027672, MeSH D009386, MONDO:0015356.

Submission:

Ambry Genetics
Classification: Uncertain significance for Hereditary cancer-predisposing syndrome. Last evaluated: 2025-08-27. Review status: criteria provided, single submitter. Criteria: Ambry Variant Classification Scheme 2023. Collection method: clinical testing. Allele origin: germline.
Comment: The p.S49P variant (also known as c.145T>C), located in coding exon 2 of the MUTYH gene, results from a T to C substitution at nucleotide position 145. The serine at codon 49 is replaced by proline, an amino acid with similar properties. This amino acid position is conserved. In addition, this alteration is predicted to be tolerated by in silico analysis. Based on the available evidence, the clinical significance of this variant remains unclear.

NM_001048174.2(MUTYH):c.103T>C (p.Ser35Pro)

Gene: MUTYH (mutY DNA glycosylase; minus strand). Cytogenetic location: 1p34.1.
Variant type: single nucleotide variant.
Coding change: c.103T>C on transcript NM_001048174.2 (MANE Select); coding-DNA position 103, T replaced by C.
Protein change: p.Ser35Pro; replaces serine 35 with proline.
Molecular consequence: missense variant. On other transcripts: 5 prime UTR variant (7), non-coding transcript variant (7).
Genome position (GRCh38, 1-based): chr1:45,334,403, A>G on the plus strand (T>C on the coding strand, the complement: MUTYH is on the minus strand). VCF-style: chr1-45334403-A-G. GRCh37 (hg19) VCF-style: chr1-45800075-A-G.
Other names: c.103T>C, p.Ser35Pro (NM_001048171.2, NM_001048172.2, NM_001048173.2 and 15 more transcripts); c.145T>C, p.Ser49Pro (NM_001128425.2, NM_001293190.2, NM_001407069.1 and 2 more transcripts); c.-110T>C (NM_001293192.2, NM_001293196.2, NM_001407091.1); c.-169T>C (NM_001350650.2); c.-105T>C (NM_001350651.2, NM_001407082.1); c.-54T>C (NM_001407075.1); c.121T>C, p.Ser41Pro (NM_001407087.1); short protein forms S41P, S35P, S49P.
Identifiers: ClinVar variation 4113263 (VCV004113263.1).